The following is an entry in ClinVar:

NM_000263.4(NAGLU):c.683G>A (p.Arg228Gln)

Gene: NAGLU (N-acetyl-alpha-glucosaminidase; plus strand). Cytogenetic location: 17q21.2.
Variant type: single nucleotide variant.
Coding change: c.683G>A on transcript NM_000263.4 (MANE Select); coding-DNA position 683, G replaced by A.
Protein change: p.Arg228Gln; replaces arginine 228 with glutamine.
Molecular consequence: missense variant.
Genome position (GRCh38, 1-based): chr17:42,538,674, G>A. VCF-style: chr17-42538674-G-A. GRCh37 (hg19) VCF-style: chr17-40690692-G-A.
Other names: p.Arg228Gln; short protein forms R228Q.
Identifiers: ClinVar variation 323296 (VCV000323296.10), dbSNP rs146456266, ClinGen allele CA8576833.
Genomic context (GRCh38, chr17:42,538,674, plus strand): 5'-GCCTTCTCATAGGACAGCAGTGGCCATGCTCACCACCCTTCCTTCTGTTCCTCCAGCACC[G>A]GGTCCTGGACCAGATGCGCTCCTTCGGCATGACCCCAGTGCTGCCTGCATTCGCGGGGCA-3'
Protein context (NP_000254.2, residues 218-238): WHIKQLYLQH[Arg228Gln]VLDQMRSFGM

ClinVar aggregate classification (germline): Uncertain significance. Review status: criteria provided, multiple submitters, no conflicts (2 of 4 stars). 4 submissions from 4 submitters: Uncertain significance (4). Last evaluated 2025-09-13.

Conditions:
Mucopolysaccharidosis, MPS-III-B (MPS3B). Also called: Mucopolysaccharidosis type IIIB (Sanfilippo B); MPS IIIB (Sanfilippo Syndrome Type B); MPS III B; N-ACETYL-ALPHA-D-GLUCOSAMINIDASE DEFICIENCY; NAGLU DEFICIENCY; MUCOPOLYSACCHARIDOSIS, TYPE IIIB. Identifiers: Orphanet 79270, MedGen C0086648, MONDO:0009656, OMIM 252920.
Charcot-Marie-Tooth disease axonal type 2V. Also called: CHARCOT-MARIE-TOOTH NEUROPATHY, TYPE 2V; CHARCOT-MARIE-TOOTH DISEASE, AXONAL, AUTOSOMAL DOMINANT, TYPE 2V. Identifiers: Orphanet 447964, MedGen C5569050, MONDO:0014665, OMIM 616491.

Allele frequency attached by ClinVar (database versions not stated): gnomAD 0.00017 and 0.00016; 1000 Genomes Project 30x 0.00016; ExAC 0.00003; 1000 Genomes Project 0.00020; ESP Exome Variant Server 0.00015; TOPMed 0.00016.
gnomAD v4.1: 46 of 1,613,946 alleles (0.0029%); highest among the groups gnomAD compares: African/African-American, 0.045%; no homozygotes.

Submissions (4):

GeneDx
Classification: Uncertain significance. Last evaluated: 2025-09-13. Review status: criteria provided, single submitter. Criteria: GeneDx Variant Classification Process June 2021. Collection method: clinical testing. Allele origin: germline. Affected: yes.
Comment: In silico analysis suggests that this missense variant does not alter protein structure/function; This variant is associated with the following publications: (PMID: Saberi2021[article])

Mayo Clinic Laboratories, Mayo Clinic
Classification: Uncertain significance. Last evaluated: 2023-04-19. Review status: criteria provided, single submitter. Criteria: ACMG Guidelines, 2015. Collection method: clinical testing. Allele origin: germline. Observed: 2 variant alleles.

Labcorp Genetics (formerly Invitae), Labcorp
Classification: Uncertain significance for Charcot-Marie-Tooth disease axonal type 2V; Mucopolysaccharidosis, MPS-III-B. Last evaluated: 2022-10-13. Review status: criteria provided, single submitter. Criteria: Invitae Variant Classification Sherloc (09022015). Collection method: clinical testing. Allele origin: germline.
Comment: This sequence change replaces arginine, which is basic and polar, with glutamine, which is neutral and polar, at codon 228 of the NAGLU protein (p.Arg228Gln). This variant is present in population databases (rs146456266, gnomAD 0.02%). This variant has not been reported in the literature in individuals affected with NAGLU-related conditions. ClinVar contains an entry for this variant (Variation ID: 323296). Algorithms developed to predict the effect of missense changes on protein structure and function output the following: SIFT: "Tolerated"; PolyPhen-2: "Benign"; Align-GVGD: "Class C0". The glutamine amino acid residue is found in multiple mammalian species, which suggests that this missense change does not adversely affect protein function. In summary, the available evidence is currently insufficient to determine the role of this variant in disease. Therefore, it has been classified as a Variant of Uncertain Significance.

Illumina Laboratory Services, Illumina
Classification: Uncertain significance for Mucopolysaccharidosis, MPS-III-B. Last evaluated: 2018-01-13. Review status: criteria provided, single submitter. Criteria: ICSL Variant Classification Criteria 13 December 2019. Collection method: clinical testing. Allele origin: germline.